The following is an entry in ClinVar:

NM_001256789.3(CACNA1F):c.2645C>T (p.Pro882Leu)

Gene: CACNA1F (calcium voltage-gated channel subunit alpha1 F; minus strand). Cytogenetic location: Xp11.23.
Variant type: single nucleotide variant.
Coding change: c.2645C>T on transcript NM_001256789.3 (MANE Select); coding-DNA position 2645, C replaced by T.
Protein change: p.Pro882Leu; replaces proline 882 with leucine.
Molecular consequence: missense variant.
Genome position (GRCh38, 1-based): chrX:49,219,349, G>A on the plus strand (C>T on the coding strand, the complement: CACNA1F is on the minus strand). VCF-style: chrX-49219349-G-A. GRCh37 (hg19) VCF-style: chrX-49075808-G-A.
Other names: c.2483C>T, p.Pro828Leu (NM_001256790.3); c.2678C>T, p.Pro893Leu (NM_005183.4); short protein forms P893L, P828L, P882L.
Identifiers: ClinVar variation 1366496 (VCV001366496.8), dbSNP rs2147909599, ClinGen allele CA412965216.

ClinVar aggregate classification (germline): Uncertain significance (1 of 4 stars; one submission).

Submission:

Labcorp Genetics (formerly Invitae), Labcorp
Classification: Uncertain significance. Last evaluated: 2021-01-21. Review status: criteria provided, single submitter. Criteria: Invitae Variant Classification Sherloc (09022015). Collection method: clinical testing. Allele origin: germline.
Comment: This sequence change replaces proline with leucine at codon 893 of the CACNA1F protein (p.Pro893Leu). The proline residue is highly conserved and there is a moderate physicochemical difference between proline and leucine. This variant is not present in population databases (ExAC no frequency). This variant has not been reported in the literature in individuals with CACNA1F-related conditions. Algorithms developed to predict the effect of missense changes on protein structure and function are either unavailable or do not agree on the potential impact of this missense change (SIFT: "Deleterious"; PolyPhen-2: "Benign"; Align-GVGD: "Class C65"). In summary, the available evidence is currently insufficient to determine the role of this variant in disease. Therefore, it has been classified as a Variant of Uncertain Significance.